The following is an entry in ClinVar:

NM_001244710.2(GFPT1):c.883G>A (p.Glu295Lys)

Gene: GFPT1 (glutamine--fructose-6-phosphate transaminase 1; minus strand). Cytogenetic location: 2p13.3.
Variant type: single nucleotide variant.
Coding change: c.883G>A on transcript NM_001244710.2 (MANE Select); coding-DNA position 883, G replaced by A.
Protein change: p.Glu295Lys; replaces glutamic acid 295 with lysine.
Molecular consequence: missense variant.
Genome position (GRCh38, 1-based): chr2:69,348,297, C>T on the plus strand (G>A on the coding strand, the complement: GFPT1 is on the minus strand). VCF-style: chr2-69348297-C-T. GRCh37 (hg19) VCF-style: chr2-69575429-C-T.
Other names: c.829G>A, p.Glu277Lys (NM_002056.4); short protein forms E277K, E295K.
Identifiers: ClinVar variation 949806 (VCV000949806.8), dbSNP rs764200601, ClinGen allele CA1693744.

ClinVar aggregate classification (germline): Uncertain significance (1 of 4 stars; one submission).

Conditions:
Congenital myasthenic syndrome 12 (CMS12). Also called: Myasthenia, congenital, 12, with tubular aggregates; MYASTHENIC SYNDROME, CONGENITAL, WITH TUBULAR AGGREGATES 1. Identifiers: Orphanet 353327, Orphanet 590, MedGen C3552335, MONDO:0012518, OMIM 610542.

Allele frequency attached by ClinVar (database versions not stated): gnomAD 0.00001; TOPMed 0.00003; gnomAD exomes 0.00004 and 0.00008; ExAC 0.00005.

Submission:

Labcorp Genetics (formerly Invitae), Labcorp
Classification: Uncertain significance for Congenital myasthenic syndrome 12. Last evaluated: 2022-02-28. Review status: criteria provided, single submitter. Criteria: Invitae Variant Classification Sherloc (09022015). Collection method: clinical testing. Allele origin: germline.
Comment: This sequence change replaces glutamic acid, which is acidic and polar, with lysine, which is basic and polar, at codon 295 of the GFPT1 protein (p.Glu295Lys). This variant is present in population databases (rs764200601, gnomAD 0.06%). This variant has not been reported in the literature in individuals affected with GFPT1-related conditions. ClinVar contains an entry for this variant (Variation ID: 949806). Algorithms developed to predict the effect of missense changes on protein structure and function are either unavailable or do not agree on the potential impact of this missense change (SIFT: "Deleterious"; PolyPhen-2: "Probably Damaging"; Align-GVGD: "Class C0"). In summary, the available evidence is currently insufficient to determine the role of this variant in disease. Therefore, it has been classified as a Variant of Uncertain Significance.